The following is an entry in ClinVar:

NM_001386298.1(CIC):c.4300G>A (p.Gly1434Ser)

Gene: CIC (capicua transcriptional repressor; plus strand). Cytogenetic location: 19q13.2.
Variant type: single nucleotide variant.
Coding change: c.4300G>A on transcript NM_001386298.1 (MANE Select); coding-DNA position 4300, G replaced by A.
Protein change: p.Gly1434Ser; replaces glycine 1434 with serine.
Molecular consequence: missense variant.
Genome position (GRCh38, 1-based): chr19:42,290,341, G>A. VCF-style: chr19-42290341-G-A. GRCh37 (hg19) VCF-style: chr19-42794493-G-A.
Other names: c.4300G>A, p.Gly1434Ser (NM_001304815.2, NM_001379480.1, NM_001379482.1); c.1573G>A, p.Gly525Ser (NM_001379484.1, NM_001379485.1, NM_015125.5); short protein forms G525S, G1434S.
Identifiers: ClinVar variation 133902 (VCV000133902.1), dbSNP rs150975726, ClinGen allele CA158122.

ClinVar aggregate classification (germline): not provided (0 of 4 stars; one submission).

Allele frequency attached by ClinVar (database versions not stated): gnomAD 0.00001; TOPMed 0.00002; gnomAD exomes 0.00004 and 0.00010; ExAC 0.00005; ESP Exome Variant Server 0.00015.
gnomAD v4.1: 62 of 1,613,954 alleles (0.0038%); highest among the groups gnomAD compares: Non-Finnish European, 0.00059%; no homozygotes.

Submission:

ITMI
No classification provided. Condition: AllHighlyPenetrant. Last evaluated: 2013-09-19. Review status: no classification provided. Collection method: reference population. Allele origin: germline.
Comment: Please see associated publication for description of ethnicities

Literature cited by the submitters: PubMed 24728327.